The following is an entry in ClinVar:

NM_000256.3(MYBPC3):c.1729_1730del (p.Trp577fs)

Gene: MYBPC3 (myosin binding protein C3; minus strand). Cytogenetic location: 11p11.2.
Variant type: Microsatellite.
Coding change: c.1729_1730del on transcript NM_000256.3 (MANE Select); coding-DNA positions 1729 to 1730, 2 bases deleted (TG; older notation c.1729_1730delTG).
Protein change: p.Trp577fs; shifts the reading frame from tryptophan 577.
Molecular consequence: frameshift variant.
Genome position (GRCh38, 1-based): chr11:47,342,051-47,342,052, CA deleted on the plus strand (TG on the coding strand, the reverse complement: MYBPC3 is on the minus strand); deleting any 2 consecutive bases within chr11:47,342,051-47,342,057 gives the same sequence; the c. name uses the placement nearest the transcript's 3' end. VCF-style (leftmost placement, unchanged base first): chr11-47342050-CCA-C. GRCh37 (hg19) VCF-style: chr11-47363601-CCA-C.
Other names: c.1729_1730delTG (NM_000256.3); short protein forms W577fs.
Identifiers: ClinVar variation 582082 (VCV000582082.12), dbSNP rs1565627536, ClinGen allele CA891842476.

ClinVar aggregate classification (germline): Pathogenic. Review status: criteria provided, multiple submitters, no conflicts (2 of 4 stars). 4 submissions from 4 submitters: Pathogenic (4). Last evaluated 2025-11-24.

Conditions:
Cardiovascular phenotype. Identifiers: MedGen CN230736.
Hypertrophic cardiomyopathy. Also called: HYPERTROPHIC MYOCARDIOPATHY. Identifiers: Orphanet 217569, MedGen C0007194, MeSH D002312, MONDO:0005045, HP:0001639.

Submissions (4):

Labcorp Genetics (formerly Invitae), Labcorp
Classification: Pathogenic for Hypertrophic cardiomyopathy. Last evaluated: 2025-11-24. Review status: criteria provided, single submitter. Criteria: Invitae Variant Classification Sherloc (09022015). Collection method: clinical testing. Allele origin: germline.
Comment: This sequence change creates a premature translational stop signal (p.Trp577Alafs*27) in the MYBPC3 gene. It is expected to result in an absent or disrupted protein product. Loss-of-function variants in MYBPC3 are known to be pathogenic (PMID: 19574547). This variant is not present in population databases (gnomAD no frequency). This premature translational stop signal has been observed in individual(s) with hypertrophic cardiomyopathy (PMID: 24793961). ClinVar contains an entry for this variant (Variation ID: 582082). For these reasons, this variant has been classified as Pathogenic.

All of Us Research Program, National Institutes of Health
Classification: Pathogenic for Hypertrophic cardiomyopathy. Last evaluated: 2023-12-18. Review status: criteria provided, single submitter. Criteria: ACMG Guidelines, 2015. Collection method: clinical testing. Allele origin: germline. Inheritance: Autosomal dominant inheritance. Observed: 1 variant allele, 1 heterozygote.
Comment: This variant deletes 2 nucleotides in exon 18 in the Ig-like domain C4 of the MYBPC3 gene, creating a frameshift and premature translation stop signal. This variant is expected to result in an absent or non-functional protein product. This variant has been reported in an individual affected with hypertrophic cardiomyopathy (PMID: 24793961, 32841044). This variant has not been identified in the general population by the Genome Aggregation Database (gnomAD). Loss of MYBPC3 function is a known mechanism of disease. Based on the available evidence, this variant is classified as Pathogenic.

This study involves interpretation of variants in research participants for the purpose of population health screening. Participant phenotype was not available at the time of variant classification. Additional details can be found in publication PMID: 35346344, PMCID: PMC8962531

GeneDx
Classification: Pathogenic. Last evaluated: 2023-07-24. Review status: criteria provided, single submitter. Criteria: GeneDx Variant Classification Process June 2021. Collection method: clinical testing. Allele origin: germline. Affected: yes.
Comment: Frameshift variant predicted to result in protein truncation or nonsense mediated decay in a gene for which loss of function is a known mechanism of disease; Not observed at significant frequency in large population cohorts (gnomAD); This variant is associated with the following publications: (PMID: 24793961)

Ambry Genetics
Classification: Pathogenic for Cardiovascular phenotype. Last evaluated: 2021-06-14. Review status: criteria provided, single submitter. Criteria: Ambry Variant Classification Scheme 2023. Collection method: clinical testing. Allele origin: germline.
Comment: The c.1729_1730delTG pathogenic mutation, located in coding exon 18 of the MYBPC3 gene, results from a deletion of two nucleotides at nucleotide positions 1729 to 1730, causing a translational frameshift with a predicted alternate stop codon (p.W577Afs*27). This variant has been reported in one individual from a hypertrophic cardiomyopathy cohort (Bos JM et al. Mayo Clin Proc, 2014 Jun;89:727-37). In addition to the clinical data presented in the literature, this alteration is expected to result in loss of function by premature protein truncation or nonsense-mediated mRNA decay. As such, this alteration is interpreted as a disease-causing mutation.

Literature cited by the submitters: PubMed 19574547 (cited by Labcorp Genetics (formerly Invitae), Labcorp); PubMed 24793961 (cited by 3 submitters); PubMed 32841044 (cited by All of Us Research Program, National Institutes of Health).